The following is an entry in ClinVar:

ClinVar aggregate classification (germline): Uncertain significance (1 of 4 stars; one submission).

Submission:

GeneDx
Classification: Uncertain significance. Last evaluated: 2025-09-30. Review status: criteria provided, single submitter. Criteria: GeneDx Variant Classification Process June 2021. Collection method: clinical testing. Allele origin: germline. Affected: yes.
Comment: Not observed at significant frequency in large population cohorts (gnomAD); In silico analysis suggests that this missense variant does not alter protein structure/function; Has not been previously published as pathogenic or benign to our knowledge

NM_006593.4(TBR1):c.538T>A (p.Tyr180Asn)

Gene: TBR1 (T-box brain transcription factor 1; plus strand). Cytogenetic location: 2q24.2.
Variant type: single nucleotide variant.
Coding change: c.538T>A on transcript NM_006593.4 (MANE Select); coding-DNA position 538, T replaced by A.
Protein change: p.Tyr180Asn; replaces tyrosine 180 with asparagine.
Molecular consequence: missense variant.
Genome position (GRCh38, 1-based): chr2:161,416,948, T>A. VCF-style: chr2-161416948-T-A. GRCh37 (hg19) VCF-style: chr2-162273459-T-A.
Other names: short protein forms Y180N.
Identifiers: ClinVar variation 2507139 (VCV002507139.4), dbSNP rs2468090786, ClinGen allele CA349211618.